The following is an entry in ClinVar:

NM_003001.5(SDHC):c.17_18dup (p.Arg7Ter)

Gene: SDHC (succinate dehydrogenase complex subunit C; plus strand). Cytogenetic location: 1q23.3.
Variant type: Duplication.
Coding change: c.17_18dup on transcript NM_003001.5 (MANE Select); coding-DNA positions 17 to 18, 2 bases duplicated (TG; older notation c.17_18dupTG).
Protein change: p.Arg7Ter; replaces arginine 7 with a stop codon.
Molecular consequence: nonsense. On other transcripts: frameshift variant (10).
Genome position (GRCh38, 1-based): chr1:161,314,422-161,314,423, TG duplicated. VCF-style (leftmost placement, unchanged base first): chr1-161314421-C-CTG. GRCh37 (hg19) VCF-style: chr1-161284211-C-CTG.
Other names: c.17_18dup, p.Arg7Terfs (NM_001035511.3, NM_001035512.3, NM_001278172.3 and 2 more transcripts); c.17_18dup, p.Ser7Terfs (NM_001035513.3, NM_001407116.1, NM_001407117.1 and 1 more transcripts); c.-544_-543dup (NM_001407119.1); c.-213_-212dup (NM_001407120.1); c.17_18dupTG (NM_003001.3); short protein forms R7*, S7*.
Identifiers: ClinVar variation 546054 (VCV000546054.7), dbSNP rs1553260596, ClinGen allele CA658822732.

ClinVar aggregate classification (germline): Pathogenic/Likely pathogenic. Review status: criteria provided, multiple submitters, no conflicts (2 of 4 stars). 3 submissions from 3 submitters: Pathogenic (2); Likely pathogenic (1). Last evaluated 2025-10-29.

Conditions:
Pheochromocytoma/paraganglioma syndrome 3. Also called: GLOMUS TUMORS, FAMILIAL, 3; SDHC-Related Hereditary Paraganglioma-Pheochromocytoma Syndrome; Paragangliomas 3; SDHC-Related Hereditary Paraganglioma-Pheochromocytoma Syndrome (Paragangliomas 3). Identifiers: Orphanet 29072, MedGen C1854336, MONDO:0011544, OMIM 605373.
Gastrointestinal stromal tumor. Also called: Gastrointestinal stromal tumor, somatic; Gastrointestinal stroma tumor. Identifiers: Orphanet 44890, MedGen C0238198, MeSH D046152, MONDO:0011719, OMIM 606764, HP:0100723.

Submissions (3):

Labcorp Genetics (formerly Invitae), Labcorp
Classification: Pathogenic for Pheochromocytoma/paraganglioma syndrome 3; Gastrointestinal stromal tumor. Last evaluated: 2025-10-29. Review status: criteria provided, single submitter. Criteria: Invitae Variant Classification Sherloc (09022015). Collection method: clinical testing. Allele origin: germline.
Comment: This sequence change creates a premature translational stop signal (p.Arg7*) in the SDHC gene. It is expected to result in an absent or disrupted protein product. Loss-of-function variants in SDHC are known to be pathogenic (PMID: 17667967, 19454582, 23282968, 24758179). This variant is not present in population databases (gnomAD no frequency). This variant has not been reported in the literature in individuals affected with SDHC-related conditions. ClinVar contains an entry for this variant (Variation ID: 546054). For these reasons, this variant has been classified as Pathogenic.

Molecular Pathology, Peter Maccallum Cancer Centre
Classification: Likely pathogenic for Pheochromocytoma/paraganglioma syndrome 3. Last evaluated: 2025-01-31. Review status: criteria provided, single submitter. Criteria: ACMG Guidelines, 2015. Collection method: clinical testing. Allele origin: germline. Inheritance: Autosomal dominant inheritance.

GeneDx
Classification: Pathogenic. Last evaluated: 2017-10-19. Review status: criteria provided, single submitter. Criteria: GeneDx Variant Classification (06012015). Collection method: clinical testing. Allele origin: germline. Affected: yes.
Comment: This duplication of two nucleotides is denoted SDHC c.17_18dupTG at the cDNA level and p.Arg7Ter (R7X) at the protein level. The normal sequence, with the duplicated bases in brackets, is TTGC[dupTG]AGgt, where the capital letters are exonic and lowercase are intronic. This duplication creates a nonsense variant, which changes an Arginine to a premature stop codon (AGA>TGA), and is predicted to cause loss of normal protein function through either protein truncation or nonsense-mediated mRNA decay. Although this variant has not, to our knowledge, been reported in the literature, it is considered pathogenic.

Literature cited by the submitters: PubMed 17667967 (cited by Labcorp Genetics (formerly Invitae), Labcorp); PubMed 19454582 (cited by Labcorp Genetics (formerly Invitae), Labcorp); PubMed 23282968 (cited by Labcorp Genetics (formerly Invitae), Labcorp); PubMed 24758179 (cited by Labcorp Genetics (formerly Invitae), Labcorp).